The following is an entry in ClinVar:

NM_001130144.3(LTBP3):c.3874C>A (p.Arg1292Ser)

Gene: LTBP3 (latent transforming growth factor beta binding protein 3; minus strand). Cytogenetic location: 11q13.1.
Variant type: single nucleotide variant.
Coding change: c.3874C>A on transcript NM_001130144.3 (MANE Select); coding-DNA position 3874, C replaced by A.
Protein change: p.Arg1292Ser; replaces arginine 1292 with serine.
Molecular consequence: missense variant.
Genome position (GRCh38, 1-based): chr11:65,539,118, G>T on the plus strand (C>A on the coding strand, the complement: LTBP3 is on the minus strand). VCF-style: chr11-65539118-G-T. GRCh37 (hg19) VCF-style: chr11-65306589-G-T.
Other names: c.3382C>A, p.Arg1128Ser (NM_001164266.1); c.3733C>A, p.Arg1245Ser (NM_021070.4); short protein forms R1128S, R1245S, R1292S.
Identifiers: ClinVar variation 4049862 (VCV004049862.1).

ClinVar aggregate classification (germline): Uncertain significance (1 of 4 stars; one submission).

Conditions:
Inborn genetic diseases. Identifiers: MedGen C0950123, MeSH D030342.

Submission:

Ambry Genetics
Classification: Uncertain significance for Inborn genetic diseases. Last evaluated: 2025-03-31. Review status: criteria provided, single submitter. Criteria: Ambry Variant Classification Scheme 2023. Collection method: clinical testing. Allele origin: germline.
Comment: The p.R1292S variant (also known as c.3874C>A), located in coding exon 28 of the LTBP3 gene, results from a C to A substitution at nucleotide position 3874. The arginine at codon 1292 is replaced by serine, an amino acid with dissimilar properties. This amino acid position is conserved. In addition, the in silico prediction for this alteration is inconclusive. Based on the available evidence, the clinical significance of this variant remains unclear.